The following is an entry in ClinVar:

ClinVar aggregate classification (germline): Uncertain significance. Review status: criteria provided, multiple submitters, no conflicts (2 of 4 stars). 2 submissions from 2 submitters: Uncertain significance (2). Last evaluated 2025-10-26.

Allele frequency attached by ClinVar (database versions not stated): gnomAD exomes 0.00001; gnomAD 0.00002; TOPMed 0.00002.
gnomAD v4.1: 46 of 1,614,010 alleles (0.0029%); highest among the groups gnomAD compares: Non-Finnish European, 0.0037%; no homozygotes.

Submissions (2):

Labcorp Genetics (formerly Invitae), Labcorp
Classification: Uncertain significance. Last evaluated: 2025-10-26. Review status: criteria provided, single submitter. Criteria: Invitae Variant Classification Sherloc (09022015). Collection method: clinical testing. Allele origin: germline.
Comment: This sequence change replaces serine, which is neutral and polar, with threonine, which is neutral and polar, at codon 255 of the SERPING1 protein (p.Ser255Thr). This variant is present in population databases (no rsID available, gnomAD 0.002%). This missense change has been observed in individual(s) with hereditary angioedema (PMID: 18758157). ClinVar contains an entry for this variant (Variation ID: 1303129). Invitae Evidence Modeling of protein sequence and biophysical properties (such as structural, functional, and spatial information, amino acid conservation, physicochemical variation, residue mobility, and thermodynamic stability) has been performed for this missense variant. However, the output from this modeling did not meet the statistical confidence thresholds required to predict the impact of this variant on SERPING1 protein function. In summary, the available evidence is currently insufficient to determine the role of this variant in disease. Therefore, it has been classified as a Variant of Uncertain Significance.

GeneDx
Classification: Uncertain significance. Last evaluated: 2020-06-25. Review status: criteria provided, single submitter. Criteria: GeneDx Variant Classification Process June 2021. Collection method: clinical testing. Allele origin: germline. Affected: yes.
Comment: Observed in a patient with hereditary angioedema in published literature (Gosswein et al., 2008); Not observed at a significant frequency in large population cohorts (Lek et al., 2016); In silico analysis supports that this missense variant does not alter protein structure/function; This variant is associated with the following publications: (PMID: 18758157)

Literature cited by the submitters: PubMed 18758157 (cited by Labcorp Genetics (formerly Invitae), Labcorp).

NM_000062.3(SERPING1):c.764G>C (p.Ser255Thr)

Gene: SERPING1 (serpin family G member 1; plus strand). Cytogenetic location: 11q12.1.
Variant type: single nucleotide variant.
Coding change: c.764G>C on transcript NM_000062.3 (MANE Select); coding-DNA position 764, G replaced by C.
Protein change: p.Ser255Thr; replaces serine 255 with threonine.
Molecular consequence: missense variant.
Genome position (GRCh38, 1-based): chr11:57,606,088, G>C. VCF-style: chr11-57606088-G-C. GRCh37 (hg19) VCF-style: chr11-57373561-G-C.
Other names: c.764G>C, p.Ser255Thr (NM_001032295.2); short protein forms S255T.
Identifiers: ClinVar variation 1303129 (VCV001303129.7), dbSNP rs893262278, ClinGen allele CA223055395.